The following is an entry in ClinVar:

ClinVar aggregate classification (germline): Uncertain significance (1 of 4 stars; one submission).

Conditions:
Combined malonic and methylmalonic acidemia. Identifiers: Orphanet 289504, MedGen C3280314, MONDO:0013661, OMIM 614265.

Submission:

Labcorp Genetics (formerly Invitae), Labcorp
Classification: Uncertain significance for Combined malonic and methylmalonic acidemia. Last evaluated: 2022-02-24. Review status: criteria provided, single submitter. Criteria: Invitae Variant Classification Sherloc (09022015). Collection method: clinical testing. Allele origin: germline.
Comment: A copy number gain of the genomic region encompassing the full coding sequence of the ACSF3 gene has been identified. The boundaries of this event are unknown as they extend beyond the assayed region for this gene and therefore may encompass additional genes. As the precise location of this event is unknown, it may be in tandem or it may be located elsewhere in the genome. This variant has not been reported in the literature in individuals affected with ACSF3-related conditions. In summary, the available evidence is currently insufficient to determine the role of this variant in disease. Therefore, it has been classified as a Variant of Uncertain Significance.

NC_000016.10:g.(?_89100662)_(89154227_?)dup

Gene: ACSF3 (acyl-CoA synthetase family member 3; plus strand). Cytogenetic location: 16q24.3.
Variant type: Duplication.
Identifiers: ClinVar variation 832685 (VCV000832685.2).